The following is an entry in ClinVar:

ClinVar aggregate classification (germline): Uncertain significance (1 of 4 stars; one submission).

Submission:

Labcorp Genetics (formerly Invitae), Labcorp
Classification: Uncertain significance. Last evaluated: 2022-02-10. Review status: criteria provided, single submitter. Criteria: Invitae Variant Classification Sherloc (09022015). Collection method: clinical testing. Allele origin: germline.
Comment: In summary, the available evidence is currently insufficient to determine the role of this variant in disease. Therefore, it has been classified as a Variant of Uncertain Significance. Advanced modeling of protein sequence and biophysical properties (such as structural, functional, and spatial information, amino acid conservation, physicochemical variation, residue mobility, and thermodynamic stability) performed at Invitae indicates that this missense variant is not expected to disrupt ROBO2 protein function. This variant has not been reported in the literature in individuals affected with ROBO2-related conditions. This variant is not present in population databases (gnomAD no frequency). This sequence change replaces lysine, which is basic and polar, with glutamine, which is neutral and polar, at codon 1320 of the ROBO2 protein (p.Lys1320Gln).

NM_001395656.1(ROBO2):c.4243A>C (p.Lys1415Gln)

Gene: ROBO2 (roundabout guidance receptor 2; plus strand). Cytogenetic location: 3p12.3.
Variant type: single nucleotide variant.
Coding change: c.4243A>C on transcript NM_001395656.1 (MANE Select); coding-DNA position 4243, A replaced by C.
Protein change: p.Lys1415Gln; replaces lysine 1415 with glutamine.
Molecular consequence: missense variant.
Genome position (GRCh38, 1-based): chr3:77,644,727, A>C. VCF-style: chr3-77644727-A-C. GRCh37 (hg19) VCF-style: chr3-77693878-A-C.
Other names: c.4039A>C, p.Lys1347Gln (NM_001378198.1, NM_001378199.1); c.4018A>C, p.Lys1340Gln (NM_001378200.1, NM_001378201.1); c.3961A>C, p.Lys1321Gln (NM_001378202.1); c.3844A>C, p.Lys1282Gln (NM_001378203.1); c.4426A>C, p.Lys1476Gln (NM_001394212.1); c.4165A>C, p.Lys1389Gln (NM_001394213.1); c.4027A>C, p.Lys1343Gln (NM_001394214.1); c.4153A>C, p.Lys1385Gln (NM_001395657.1, NM_001290040.2); and 12 more; short protein forms K1320Q, K1336Q, K1382Q, K1385Q, K1476Q, K1324Q, K1386Q, K1438Q.
Identifiers: ClinVar variation 1401098 (VCV001401098.9), dbSNP rs1390627178, ClinGen allele CA353533238.